The following is an entry in ClinVar:

NM_001276309.3(NOL3):c.547C>T (p.Pro183Ser)

Gene: NOL3 (nucleolar protein 3; plus strand). Cytogenetic location: 16q22.1.
Variant type: single nucleotide variant.
Coding change: c.547C>T on transcript NM_001276309.3 (MANE Select); coding-DNA position 547, C replaced by T.
Protein change: p.Pro183Ser; replaces proline 183 with serine.
Molecular consequence: missense variant. On other transcripts: synonymous variant (7).
Genome position (GRCh38, 1-based): chr16:67,174,872, C>T. VCF-style: chr16-67174872-C-T. GRCh37 (hg19) VCF-style: chr16-67208775-C-T.
Other names: c.537C>T, p.Asn179= (NM_001185057.3, NM_001394977.1, NM_001394978.1); c.547C>T, p.Pro183Ser (NM_001276307.3, NM_001276312.3, NM_001394973.1 and 2 more transcripts); c.423C>T, p.Asn141= (NM_001276311.2, NM_001394974.1, NM_001394975.1 and 1 more transcripts); short protein forms P183S.
Identifiers: ClinVar variation 2632778 (VCV002632778.1), dbSNP rs2507097117, ClinGen allele CA396287899.

ClinVar aggregate classification (germline): Uncertain significance (1 of 4 stars; one submission).

Conditions:
NOL3-related disorder. Also called: NOL3-related condition.

Submission:

PreventionGenetics, part of Exact Sciences
Classification: Uncertain significance for NOL3-related condition. Last evaluated: 2023-05-16. Review status: criteria provided, single submitter. Criteria: ACMG Guidelines, 2015. Collection method: clinical testing. Allele origin: germline.
Comment: The NOL3 c.547C>T variant is predicted to result in the amino acid substitution p.Pro183Ser. To our knowledge, this variant has not been reported in the literature or in a large population database, indicating this variant is rare. At this time, the clinical significance of this variant is uncertain due to the absence of conclusive functional and genetic evidence.